The following is an entry in ClinVar:

NM_001288705.3(CSF1R):c.997G>C (p.Gly333Arg)

Gene: CSF1R (colony stimulating factor 1 receptor; minus strand). Cytogenetic location: 5q32.
Variant type: single nucleotide variant.
Coding change: c.997G>C on transcript NM_001288705.3 (MANE Select); coding-DNA position 997, G replaced by C.
Protein change: p.Gly333Arg; replaces glycine 333 with arginine.
Molecular consequence: missense variant. On other transcripts: non-coding transcript variant (2).
Genome position (GRCh38, 1-based): chr5:150,073,386, C>G on the plus strand (G>C on the coding strand, the complement: CSF1R is on the minus strand). VCF-style: chr5-150073386-C-G. GRCh37 (hg19) VCF-style: chr5-149452949-C-G.
Other names: c.997G>C, p.Gly333Arg (NM_001349736.2, NM_001375320.1, NM_005211.4); c.553G>C, p.Gly185Arg (NM_001375321.1); short protein forms G185R, G333R.
Identifiers: ClinVar variation 1719608 (VCV001719608.5), dbSNP rs2481020955, ClinGen allele CA361724612.
Genomic context (GRCh38, chr5:150,073,386, plus strand): 5'-TAGCAAGCTTGGGCTCAGGCTGGTGGTCAGAAAAGGGTCCCAGGTAGGTCCAGTTAAAAC[C>G]TTGCAGGCCTGGGTAGGCCTCCACCATGACTTTGAGGTTGAGCCCCTCCCCCACGGTCAC-3'
Protein context (NP_001275634.1, residues 323-343): VMVEAYPGLQ[Gly333Arg]FNWTYLGPFS

ClinVar aggregate classification (germline): Uncertain significance (1 of 4 stars; one submission).

Submission:

Labcorp Genetics (formerly Invitae), Labcorp
Classification: Uncertain significance. Last evaluated: 2023-04-24. Review status: criteria provided, single submitter. Criteria: Invitae Variant Classification Sherloc (09022015). Collection method: clinical testing. Allele origin: germline.
Comment: This sequence change replaces glycine, which is neutral and non-polar, with arginine, which is basic and polar, at codon 333 of the CSF1R protein (p.Gly333Arg). This variant is not present in population databases (gnomAD no frequency). This variant has not been reported in the literature in individuals affected with CSF1R-related conditions. ClinVar contains an entry for this variant (Variation ID: 1719608). Advanced modeling of protein sequence and biophysical properties (such as structural, functional, and spatial information, amino acid conservation, physicochemical variation, residue mobility, and thermodynamic stability) performed at Invitae indicates that this missense variant is not expected to disrupt CSF1R protein function. In summary, the available evidence is currently insufficient to determine the role of this variant in disease. Therefore, it has been classified as a Variant of Uncertain Significance.